The following is an entry in ClinVar:

ClinVar aggregate classification (germline): Pathogenic (1 of 4 stars; one submission).

Conditions:
Diamond-Blackfan anemia 10 (DBA10). Also called: RPS26-Related Diamond-Blackfan Anemia. Identifiers: Orphanet 124, MedGen C2750080, MONDO:0013217, OMIM 613309.

Submission:

Labcorp Genetics (formerly Invitae), Labcorp
Classification: Pathogenic for Diamond-Blackfan anemia 10. Last evaluated: 2019-05-22. Review status: criteria provided, single submitter. Criteria: Invitae Variant Classification Sherloc (09022015). Collection method: clinical testing. Allele origin: germline.
Comment: This sequence change creates a premature translational stop signal (p.Lys66*) in the RPS26 gene. It is expected to result in an absent or disrupted protein product. For these reasons, this variant has been classified as Pathogenic. Loss-of-function variants in RPS26 are known to be pathogenic (PMID: 20116044, 23718193). This variant has not been reported in the literature in individuals with RPS26-related conditions. This variant is not present in population databases (ExAC no frequency).

Literature cited by the submitters: PubMed 20116044; PubMed 23718193.

NM_001029.5(RPS26):c.196A>T (p.Lys66Ter)

Gene: RPS26 (ribosomal protein S26; plus strand). Cytogenetic location: 12q13.2.
Variant type: single nucleotide variant.
Coding change: c.196A>T on transcript NM_001029.5 (MANE Select); coding-DNA position 196, A replaced by T.
Protein change: p.Lys66Ter; replaces lysine 66 with a stop codon.
Molecular consequence: nonsense.
Genome position (GRCh38, 1-based): chr12:56,043,377, A>T. VCF-style: chr12-56043377-A-T. GRCh37 (hg19) VCF-style: chr12-56437161-A-T.
Other names: short protein forms K66*.
Identifiers: ClinVar variation 934123 (VCV000934123.7), dbSNP rs1895918140, ClinGen allele CA385326728.